The following is an entry in ClinVar:

ClinVar aggregate classification (germline): Uncertain significance (1 of 4 stars; one submission).

gnomAD v4.1: 15 of 1,613,554 alleles (0.00093%); highest among the groups gnomAD compares: Non-Finnish European, 0.0013%; no homozygotes.

Submission:

GeneDx
Classification: Uncertain significance. Last evaluated: 2025-03-18. Review status: criteria provided, single submitter. Criteria: GeneDx Variant Classification Process June 2021. Collection method: clinical testing. Allele origin: germline. Affected: yes.
Comment: Not observed at significant frequency in large population cohorts (gnomAD); In silico analysis indicates that this missense variant does not alter protein structure/function; Has not been previously published as pathogenic or benign to our knowledge

NM_014727.3(KMT2B):c.5866G>A (p.Gly1956Arg)

Gene: KMT2B (lysine methyltransferase 2B; plus strand). Cytogenetic location: 19q13.12.
Variant type: single nucleotide variant.
Coding change: c.5866G>A on transcript NM_014727.3 (MANE Select); coding-DNA position 5866, G replaced by A.
Protein change: p.Gly1956Arg; replaces glycine 1956 with arginine.
Molecular consequence: missense variant.
Genome position (GRCh38, 1-based): chr19:35,732,415, G>A. VCF-style: chr19-35732415-G-A. GRCh37 (hg19) VCF-style: chr19-36223316-G-A.
Other names: short protein forms G1956R.
Identifiers: ClinVar variation 1703905 (VCV001703905.4), dbSNP rs1475827336, ClinGen allele CA405424263.